The following is an entry in ClinVar:

ClinVar aggregate classification (germline): Benign. Review status: criteria provided, multiple submitters, no conflicts (2 of 4 stars). 3 submissions from 3 submitters: Benign (3). Last evaluated 2026-01-25.

Allele frequency attached by ClinVar (database versions not stated): gnomAD exomes 0.00337 and 0.00145; ExAC 0.00368; gnomAD 0.00997 and 0.01056; 1000 Genomes Project 0.01078; TOPMed 0.01095; 1000 Genomes Project 30x 0.01124; ESP Exome Variant Server 0.01199.
gnomAD v4.1: 3,812 of 1,613,302 alleles (0.24%); highest among the groups gnomAD compares: African/African-American, 3.4%; 75 homozygotes.

Submissions (3):

Labcorp Genetics (formerly Invitae), Labcorp
Classification: Benign. Last evaluated: 2026-01-25. Review status: criteria provided, single submitter. Criteria: Invitae Variant Classification Sherloc (09022015). Collection method: clinical testing. Allele origin: germline.

Mayo Clinic Laboratories, Mayo Clinic
Classification: Benign. Last evaluated: 2023-07-28. Review status: criteria provided, single submitter. Criteria: ACMG Guidelines, 2015. Collection method: clinical testing. Allele origin: germline. Observed: 10 variant alleles.
Comment: BS1, BS2

Breakthrough Genomics
Classification: Benign. Review status: criteria provided, single submitter. Criteria: ACMG Guidelines, 2015. Collection method: not provided. Allele origin: germline. Inheritance: Autosomal recessive inheritance. Affected: yes.

NM_001256007.3(PNPLA8):c.2010G>A (p.Thr670=)

Gene: PNPLA8 (patatin like domain 8, phospholipase A2; minus strand). Cytogenetic location: 7q31.1.
Variant type: single nucleotide variant.
Coding change: c.2010G>A on transcript NM_001256007.3 (MANE Select); coding-DNA position 2010, G replaced by A.
Protein change: p.Thr670=; no amino-acid change (threonine 670 retained).
Molecular consequence: synonymous variant.
Genome position (GRCh38, 1-based): chr7:108,479,248, C>T on the plus strand (G>A on the coding strand, the complement: PNPLA8 is on the minus strand). VCF-style: chr7-108479248-C-T. GRCh37 (hg19) VCF-style: chr7-108119692-C-T.
Other names: p.Thr670=; c.2010G>A, p.Thr670= (NM_001256008.3, NM_015723.5); c.1824G>A, p.Thr608= (NM_001256009.3); c.1710G>A, p.Thr570= (NM_001256010.3, NM_001256011.3).
Identifiers: ClinVar variation 775253 (VCV000775253.12), dbSNP rs62001049, ClinGen allele CA4439403.
Genomic context (GRCh38, chr7:108,479,248, plus strand): 5'-TGTATCTGTAGCACTGTTGATAACATTAGAAAGTTTAGTTTTCAAGCTTGTGTATGTTAC[C>T]GTGTTTCTCACATCACTCTCATAACGTCCAGTGCCCAGGGATACTATGCACTCTAACGGC-3'
Protein context (NP_001242936.1, residues 660-680): TGRYESDVRN[Thr670=]VTYTSLKTKL